The following is an entry in ClinVar:

NM_014822.4(SEC24D):c.653C>T (p.Ala218Val)

Gene: SEC24D (SEC24 homolog D, COPII component; minus strand). Cytogenetic location: 4q26.
Variant type: single nucleotide variant.
Coding change: c.653C>T on transcript NM_014822.4 (MANE Select); coding-DNA position 653, C replaced by T.
Protein change: p.Ala218Val; replaces alanine 218 with valine.
Molecular consequence: missense variant.
Genome position (GRCh38, 1-based): chr4:118,815,471, G>A on the plus strand (C>T on the coding strand, the complement: SEC24D is on the minus strand). VCF-style: chr4-118815471-G-A. GRCh37 (hg19) VCF-style: chr4-119736626-G-A.
Other names: c.653C>T (NM_014822.2); c.653C>T, p.Ala218Val (NM_001318066.2); short protein forms A218V.
Identifiers: ClinVar variation 1713544 (VCV001713544.6), dbSNP rs35392900, ClinGen allele CA358015398.

ClinVar aggregate classification (germline): Uncertain significance. Review status: criteria provided, multiple submitters, no conflicts (2 of 4 stars). 2 submissions from 2 submitters: Uncertain significance (2). Last evaluated 2023-11-21.

Conditions:
Inborn genetic diseases. Identifiers: MedGen C0950123, MeSH D030342.

gnomAD v4.1: 1 of 1,614,158 alleles (0.000062%); highest among the groups gnomAD compares: Non-Finnish European, 0.000085%; no homozygotes.

Submissions (2):

Ambry Genetics
Classification: Uncertain significance for Inborn genetic diseases. Last evaluated: 2023-11-21. Review status: criteria provided, single submitter. Criteria: Ambry Variant Classification Scheme 2023. Collection method: clinical testing. Allele origin: germline.

Labcorp Genetics (formerly Invitae), Labcorp
Classification: Uncertain significance. Last evaluated: 2022-07-23. Review status: criteria provided, single submitter. Criteria: Invitae Variant Classification Sherloc (09022015). Collection method: clinical testing. Allele origin: germline.
Comment: This variant has not been reported in the literature in individuals affected with SEC24D-related conditions. Algorithms developed to predict the effect of missense changes on protein structure and function are either unavailable or do not agree on the potential impact of this missense change (SIFT: "Not Available"; PolyPhen-2: "Benign"; Align-GVGD: "Not Available"). In summary, the available evidence is currently insufficient to determine the role of this variant in disease. Therefore, it has been classified as a Variant of Uncertain Significance. This variant is not present in population databases (gnomAD no frequency). This sequence change replaces alanine, which is neutral and non-polar, with valine, which is neutral and non-polar, at codon 218 of the SEC24D protein (p.Ala218Val).